The following is an entry in ClinVar:

ClinVar aggregate classification (germline): Uncertain significance (1 of 4 stars; one submission).

Conditions:
Hereditary cancer-predisposing syndrome. Also called: Neoplastic Syndromes, Hereditary; Tumor predisposition; Hereditary Cancer Syndrome; Hereditary neoplastic syndrome. Identifiers: Orphanet 140162, MedGen C0027672, MeSH D009386, MONDO:0015356.

Allele frequency attached by ClinVar (database versions not stated): TOPMed below 0.00001; ExAC 0.00001; gnomAD 0.00001; ESP Exome Variant Server 0.00008.
gnomAD v4.1: 1 of 1,614,080 alleles (0.000062%); highest among the groups gnomAD compares: Non-Finnish European, 0.000085%; no homozygotes.

Submission:

Color Diagnostics, LLC DBA Color Health
Classification: Uncertain significance for Hereditary cancer-predisposing syndrome. Last evaluated: 2024-06-25. Review status: criteria provided, single submitter. Criteria: ACMG Guidelines, 2015. Collection method: clinical testing. Allele origin: germline.
Comment: This missense variant replaces isoleucine with valine at codon 373 of the BRCA1 protein. Computational prediction is inconclusive regarding the impact of this variant on protein structure and function (internally defined REVEL score threshold 0.5 < inconclusive < 0.7, PMID: 27666373). To our knowledge, functional studies have not been reported for this variant. This variant has not been reported in individuals affected with BRCA1-related disorders in the literature. This variant has been identified in 1/251220 chromosomes in the general population by the Genome Aggregation Database (gnomAD). The available evidence is insufficient to determine the role of this variant in disease conclusively. Therefore, this variant is classified as a Variant of Uncertain Significance.

NM_007294.4(BRCA1):c.1117A>G (p.Ile373Val)

Gene: BRCA1 (BRCA1 DNA repair associated; minus strand). Cytogenetic location: 17q21.31.
Variant type: single nucleotide variant.
Coding change: c.1117A>G on transcript NM_007294.4 (MANE Select); coding-DNA position 1117, A replaced by G.
Protein change: p.Ile373Val; replaces isoleucine 373 with valine.
Molecular consequence: missense variant. On other transcripts: intron variant (137).
Genome position (GRCh38, 1-based): chr17:43,094,414, T>C on the plus strand (A>G on the coding strand, the complement: BRCA1 is on the minus strand). VCF-style: chr17-43094414-T-C. GRCh37 (hg19) VCF-style: chr17-41246431-T-C.
Other names: c.994A>G, p.Ile332Val (NM_001407919.1, NM_001407937.1, NM_001407938.1 and 19 more transcripts); c.1117A>G, p.Ile373Val (NM_001407598.1, NM_001407602.1, NM_001407603.1 and 30 more transcripts); c.853A>G, p.Ile285Val (NM_001407920.1, NM_001407921.1, NM_001407922.1 and 9 more transcripts); c.1114A>G, p.Ile372Val (NM_001407611.1, NM_001407610.1, NM_001407612.1 and 22 more transcripts); c.907A>G, p.Ile303Val (NM_001407879.1, NM_001407881.1, NM_001407882.1 and 13 more transcripts); c.904A>G, p.Ile302Val (NM_001407894.1, NM_001407895.1, NM_001407896.1 and 9 more transcripts); c.850A>G, p.Ile284Val (NM_001407930.1, NM_001407931.1, NM_001407932.1 and 2 more transcripts); c.991A>G, p.Ile331Val (NM_001407940.1, NM_001407941.1, NM_001407649.1 and 11 more transcripts); and 40 more; short protein forms I246V, I285V, I306V, I346V, I373V, I205V, I245V, I284V.
Identifiers: ClinVar variation 2774862 (VCV002774862.2), dbSNP rs373218165, ClinGen allele CA057042.
Genomic context (GRCh38, chr17:43,094,414, plus strand): 5'-ACAGTTCATCACTTCTGGAAAACCACTCATTAACTTTCTGAATGCTGCTATTTAGTGTTA[T>C]CCAAGGAACATCTTCAGTATCTCTAGGATTCTCTGAGCATGGCAGTTTCTGCTTATTCCA-3'
Protein context (NP_009225.1, residues 363-383): NPRDTEDVPW[Ile373Val]TLNSSIQKVN